The following is an entry in ClinVar:

ClinVar aggregate classification (germline): Conflicting classifications of pathogenicity. Review status: criteria provided, conflicting classifications (1 of 4 stars). 3 submissions from 3 submitters: Likely pathogenic (1); Uncertain significance (2). Last evaluated 2025-12-20.

Conditions:
Cardiovascular phenotype. Identifiers: MedGen CN230736.
Arrhythmogenic cardiomyopathy with wooly hair and keratoderma. Also called: Dilated cardiomyopathy with woolly hair and keratoderma; Arrhythmogenic cardiomyopathy with woolly hair and keratoderma; PALMOPLANTAR KERATODERMA WITH LEFT VENTRICULAR CARDIOMYOPATHY AND WOOLLY HAIR; Carvajal syndrome. Identifiers: Orphanet 65282, MedGen C1854063, MONDO:0011581, OMIM 605676.
Arrhythmogenic right ventricular dysplasia 8 (ARVD8). Also called: Arrhythmogenic Right Ventricular Dysplasia/Cardiomyopathy 8; ARRHYTHMOGENIC RIGHT VENTRICULAR DYSPLASIA, FAMILIAL, 8; ARRHYTHMOGENIC RIGHT VENTRICULAR CARDIOMYOPATHY 8. Identifiers: MedGen C1843896, MONDO:0011831, OMIM 607450.

Allele frequency attached by ClinVar (database versions not stated): gnomAD exomes below 0.00001.
gnomAD v4.1: 1 of 1,614,110 alleles (0.000062%); highest among the groups gnomAD compares: Non-Finnish European, 0.000085%; no homozygotes.

Submissions (3):

Labcorp Genetics (formerly Invitae), Labcorp
Classification: Uncertain significance for Arrhythmogenic cardiomyopathy with wooly hair and keratoderma; Arrhythmogenic right ventricular dysplasia 8. Last evaluated: 2025-12-20. Review status: criteria provided, single submitter. Criteria: Invitae Variant Classification Sherloc (09022015). Collection method: clinical testing. Allele origin: germline.
Comment: This sequence change replaces glutamic acid, which is acidic and polar, with lysine, which is basic and polar, at codon 290 of the DSP protein (p.Glu290Lys). This variant is not present in population databases (gnomAD no frequency). This missense change has been observed in individuals with arrhythmogenic cardiomyopathy, arrhythmogenic right ventricular cardiomyopathy, and/or dilated cardiomyopathy (PMID: 27532257, 28527814, 32013205, 37652022, 39472908; internal data). ClinVar contains an entry for this variant (Variation ID: 44979). An algorithm developed to predict the effect of missense changes on protein structure and function (PolyPhen-2) suggests that this variant is likely to be disruptive. In summary, the available evidence is currently insufficient to determine the role of this variant in disease. Therefore, it has been classified as a Variant of Uncertain Significance.

Ambry Genetics
Classification: Likely pathogenic for Cardiovascular phenotype. Last evaluated: 2025-03-20. Review status: criteria provided, single submitter. Criteria: Ambry Variant Classification Scheme 2023. Collection method: clinical testing. Allele origin: germline.
Comment: The p.E290K variant (also known as c.868G>A), located in coding exon 7 of the DSP gene, results from a G to A substitution at nucleotide position 868. The glutamic acid at codon 290 is replaced by lysine, an amino acid with similar properties. This variant has been detected in an individual with arrhythmogenic right ventricular cardiomyopathy (ARVC) and occurred de novo in an individual with dilated cardiomyopathy (Castelletti S et al. Int. J. Cardiol., 2017 Dec;249:268-273; Franaszczyk M et al. J Clin Med. 2020 Jan;9(2)). This variant has also been detected in a dilated cardiomyopathy genetic testing cohort, and in a proband with myocarditis-related sudden death case and two family members with fibrotic changes in their left ventricles; however, additional cardiac variants were also detected (Campuzano O et al. J. Am. Coll. Cardiol., 2015 Dec;66:2913-2914; Walsh R et al. Genet. Med., 2017 02;19:192-203). This variant is considered to be rare based on population cohorts in the Genome Aggregation Database (gnomAD). This amino acid position is highly conserved in available vertebrate species. In addition, this alteration is predicted to be deleterious by in silico analysis. Based on the majority of available evidence to date, this variant is likely to be pathogenic.

Laboratory for Molecular Medicine, Mass General Brigham Personalized Medicine
Classification: Uncertain significance. Last evaluated: 2012-10-31. Review status: criteria provided, single submitter. Criteria: LMM Criteria. Collection method: clinical testing. Allele origin: germline. Observed: 2 variant alleles.
Comment: Variant classified as Uncertain Significance - Favor Pathogenic. This variant has not been identified in large and broad European American and African American populations by the NHLBI Exome Sequencing Project. This low frequency supports that this variant is disease-causing, but is insufficient to establish this with confidence. Computational analyses (biochemical amino ac id properties, conservation, AlignGVGD, PolyPhen2, and SIFT) also suggest that t he Glu290Lys variant may impact the protein, though this information is not pred ictive enough to determine pathogenicity. Although this information supports th at the Glu290Lys variant may be pathogenic, additional studies are needed to ful ly assess its clinical significance.

Literature cited by the submitters: PubMed 27532257 (cited by Labcorp Genetics (formerly Invitae), Labcorp and Ambry Genetics); PubMed 28527814 (cited by Labcorp Genetics (formerly Invitae), Labcorp and Ambry Genetics); PubMed 32013205 (cited by Labcorp Genetics (formerly Invitae), Labcorp and Ambry Genetics); PubMed 37652022 (cited by Labcorp Genetics (formerly Invitae), Labcorp); PubMed 39472908 (cited by Labcorp Genetics (formerly Invitae), Labcorp); PubMed 26718681 (cited by Ambry Genetics); PubMed 37477868 (cited by Ambry Genetics).

NM_004415.4(DSP):c.868G>A (p.Glu290Lys)

Gene: DSP (desmoplakin; plus strand). Cytogenetic location: 6p24.3.
Variant type: single nucleotide variant.
Coding change: c.868G>A on transcript NM_004415.4 (MANE Select); coding-DNA position 868, G replaced by A.
Protein change: p.Glu290Lys; replaces glutamic acid 290 with lysine.
Molecular consequence: missense variant.
Genome position (GRCh38, 1-based): chr6:7,565,449, G>A. VCF-style: chr6-7565449-G-A. GRCh37 (hg19) VCF-style: chr6-7565682-G-A.
Other names: c.868G>A, p.Glu290Lys (NM_001008844.3, NM_001319034.2); short protein forms E290K.
Identifiers: ClinVar variation 44979 (VCV000044979.10), dbSNP rs397516974, ClinGen allele CA007793.